The following is an entry in ClinVar:

ClinVar aggregate classification (germline): Uncertain significance (1 of 4 stars; one submission).

Allele frequency attached by ClinVar (database versions not stated): ESP Exome Variant Server 0.00008.

Submission:

Labcorp Genetics (formerly Invitae), Labcorp
Classification: Uncertain significance. Last evaluated: 2022-02-07. Review status: criteria provided, single submitter. Criteria: Invitae Variant Classification Sherloc (09022015). Collection method: clinical testing. Allele origin: germline.
Comment: This variant has not been reported in the literature in individuals affected with ERCC3-related conditions. In summary, the available evidence is currently insufficient to determine the role of this variant in disease. Therefore, it has been classified as a Variant of Uncertain Significance. Algorithms developed to predict the effect of missense changes on protein structure and function are either unavailable or do not agree on the potential impact of this missense change (SIFT: "Deleterious"; PolyPhen-2: "Possibly Damaging"; Align-GVGD: "Class C0"). This variant is present in population databases (rs148789293, gnomAD 0.004%). This sequence change replaces arginine, which is basic and polar, with glycine, which is neutral and non-polar, at codon 520 of the ERCC3 protein (p.Arg520Gly).

NM_000122.2(ERCC3):c.1558C>G (p.Arg520Gly)

Gene: ERCC3 (ERCC excision repair 3, TFIIH core complex helicase subunit; minus strand). Cytogenetic location: 2q14.3.
Variant type: single nucleotide variant.
Coding change: c.1558C>G on transcript NM_000122.2 (MANE Select); coding-DNA position 1558, C replaced by G.
Protein change: p.Arg520Gly; replaces arginine 520 with glycine.
Molecular consequence: missense variant.
Genome position (GRCh38, 1-based): chr2:127,279,345, G>C on the plus strand (C>G on the coding strand, the complement: ERCC3 is on the minus strand). VCF-style: chr2-127279345-G-C. GRCh37 (hg19) VCF-style: chr2-128036921-G-C.
Other names: c.1366C>G, p.Arg456Gly (NM_001303416.2, NM_001303418.2); short protein forms R520G, R456G.
Identifiers: ClinVar variation 2088148 (VCV002088148.4), dbSNP rs148789293, ClinGen allele CA1858228.